The following is an entry in ClinVar:

NM_018325.5(C9orf72):c.1263G>A (p.Gln421=)

Gene: C9orf72 (C9orf72-SMCR8 complex subunit; minus strand). Cytogenetic location: 9p21.2.
Variant type: single nucleotide variant.
Coding change: c.1263G>A on transcript NM_018325.5 (MANE Select); coding-DNA position 1263, G replaced by A.
Protein change: p.Gln421=; no amino-acid change (glutamine 421 retained).
Molecular consequence: synonymous variant.
Genome position (GRCh38, 1-based): chr9:27,548,419, C>T on the plus strand (G>A on the coding strand, the complement: C9orf72 is on the minus strand). VCF-style: chr9-27548419-C-T. GRCh37 (hg19) VCF-style: chr9-27548417-C-T.
Other names: c.1263G>A, p.Gln421= (NM_001256054.3).
Identifiers: ClinVar variation 4983095 (VCV004983095.1).

ClinVar aggregate classification (germline): Likely benign (1 of 4 stars; one submission).

Conditions:
C9orf72-related disorder. Also called: C9orf72-related condition.

Submission:

PreventionGenetics, part of Exact Sciences
Classification: Likely benign for C9orf72-related condition. Last evaluated: 2024-11-13. Review status: criteria provided, single submitter. Criteria: ACMG Guidelines, 2015. Collection method: clinical testing. Allele origin: germline.
Comment: This variant is classified as likely benign based on ACMG/AMP sequence variant interpretation guidelines (Richards et al. 2015 PMID: 25741868, with internal and published modifications).